The following is an entry in ClinVar:

NM_001253697.2(ERBIN):c.2808_2809insTAAA (p.Ile937Ter)

Gene: ERBIN (erbb2 interacting protein; plus strand). Cytogenetic location: 5q12.3.
Variant type: Insertion.
Coding change: c.2808_2809insTAAA on transcript NM_001253697.2 (MANE Select); coding-DNA positions 2808 to 2809, TAAA inserted.
Protein change: p.Ile937Ter; replaces isoleucine 937 with a stop codon.
Molecular consequence: nonsense.
Genome position: GRCh38 VCF-style: chr5-66054125-T-TATAA. GRCh37 (hg19) VCF-style: chr5-65349953-T-TATAA.
Other names: c.2808_2809insTAAA, p.Ile937Ter (NM_001006600.3, NM_001253698.2, NM_001253699.2 and 1 more transcripts); c.2796_2797insTAAA, p.Ile933Ter (NM_001253701.2); short protein forms I937*, I933*.
Identifiers: ClinVar variation 3691530 (VCV003691530.2).

ClinVar aggregate classification (germline): Uncertain significance (1 of 4 stars; one submission).

Submission:

Labcorp Genetics (formerly Invitae), Labcorp
Classification: Uncertain significance. Last evaluated: 2024-09-21. Review status: criteria provided, single submitter. Criteria: Invitae Variant Classification Sherloc (09022015). Collection method: clinical testing. Allele origin: germline.
Comment: This sequence change creates a premature translational stop signal (p.Ile937*) in the ERBIN gene. It is expected to result in an absent or disrupted protein product. However, the current clinical and genetic evidence is not sufficient to establish whether loss-of-function variants in ERBIN cause disease. This variant is present in population databases (no rsID available, gnomAD 0.004%). This variant has not been reported in the literature in individuals affected with ERBIN-related conditions. In summary, the available evidence is currently insufficient to determine the role of this variant in disease. Therefore, it has been classified as a Variant of Uncertain Significance.